The following is an entry in ClinVar:

NM_020533.3(MCOLN1):c.948_949insT (p.Ala317fs)

Gene: MCOLN1 (mucolipin TRP cation channel 1; plus strand). Cytogenetic location: 19p13.2.
Variant type: Insertion.
Coding change: c.948_949insT on transcript NM_020533.3 (MANE Select); coding-DNA positions 948 to 949, T inserted.
Protein change: p.Ala317fs; shifts the reading frame from alanine 317.
Molecular consequence: frameshift variant.
Genome position: GRCh38 VCF-style: chr19-7528667-C-CT. GRCh37 (hg19) VCF-style: chr19-7593553-C-CT.
Other names: short protein forms A317fs.
Identifiers: ClinVar variation 5011711 (VCV005011711.1).

ClinVar aggregate classification (germline): Pathogenic (1 of 4 stars; one submission).

Conditions:
Mucolipidosis type IV (ML4). Also called: ML IV. Identifiers: Orphanet 578, MedGen C0238286, MONDO:0009653, OMIM 252650.

Submission:

Myriad Genetics, Inc.
Classification: Pathogenic for Mucolipidosis type IV. Last evaluated: 2023-09-21. Review status: criteria provided, single submitter. Criteria: Myriad Autosomal Dominant, Autosomal Recessive and X-Linked Classification Criteria (2023). Collection method: clinical testing. Allele origin: unknown.
Comment: NM_020533.2(MCOLN1):c.948_949insT(A317Cfs*146) is expected to be pathogenic in the context of mucolipidosis IV. This variant is predicted to lead to an abnormal or absent protein product due to the creation of a premature termination codon in MCOLN1, a gene where loss-of-function variants are known to be pathogenic. Please note: this variant was assessed in the context of healthy population screening.